The following is an entry in ClinVar:

NM_152419.3(HGSNAT):c.688A>G (p.Thr230Ala)

Gene: HGSNAT (heparan-alpha-glucosaminide N-acetyltransferase; plus strand). Cytogenetic location: 8p11.21.
Variant type: single nucleotide variant.
Coding change: c.688A>G on transcript NM_152419.3 (MANE Select); coding-DNA position 688, A replaced by G.
Protein change: p.Thr230Ala; replaces threonine 230 with alanine.
Molecular consequence: missense variant. On other transcripts: 5 prime UTR variant (1).
Genome position (GRCh38, 1-based): chr8:43,170,639, A>G. VCF-style: chr8-43170639-A-G. GRCh37 (hg19) VCF-style: chr8-43025782-A-G.
Other names: c.688A>G, p.Thr230Ala (NM_001363227.2, NM_001363228.2); c.-146A>G (NM_001363229.2); short protein forms T230A.
Identifiers: ClinVar variation 911657 (VCV000911657.12), dbSNP rs758464800, ClinGen allele CA4736586.

ClinVar aggregate classification (germline): Uncertain significance. Review status: criteria provided, multiple submitters, no conflicts (2 of 4 stars). 4 submissions from 4 submitters: Uncertain significance (2). 2 of the submissions do not count toward it. Last evaluated 2025-07-07.

Conditions:
Mucopolysaccharidosis, MPS-III-C (MPS3C). Also called: mucopolysaccharidosis type 3C; MUCOPOLYSACCHARIDOSIS, TYPE IIIC; SANFILIPPO SYNDROME C; MPS III C; Mucopolysaccharidosis type IIIC (Sanfilippo C); MPS IIIC (Sanfilippo Syndrome Type C). Identifiers: Orphanet 581, Orphanet 79271, MedGen C0086649, MONDO:0009657, OMIM 252930.
Retinitis pigmentosa 73 (RP73). Identifiers: Orphanet 791, MedGen C4225287, MONDO:0014687, OMIM 616544.

Allele frequency attached by ClinVar (database versions not stated): TOPMed 0.00002; ExAC 0.00001; gnomAD exomes 0.00002; gnomAD 0.00001.
gnomAD v4.1: 25 of 1,610,196 alleles (0.0016%); highest among the groups gnomAD compares: Non-Finnish European, 0.0021%; no homozygotes.

Submissions (4):

Labcorp Genetics (formerly Invitae), Labcorp
Classification: Uncertain significance for Retinitis pigmentosa 73; Mucopolysaccharidosis, MPS-III-C. Last evaluated: 2025-07-07. Review status: criteria provided, single submitter. Criteria: Invitae Variant Classification Sherloc (09022015). Collection method: clinical testing. Allele origin: germline.
Comment: This sequence change replaces threonine, which is neutral and polar, with alanine, which is neutral and non-polar, at codon 230 of the HGSNAT protein (p.Thr230Ala). This variant is present in population databases (rs758464800, gnomAD 0.006%). This variant has not been reported in the literature in individuals affected with HGSNAT-related conditions. ClinVar contains an entry for this variant (Variation ID: 911657). Invitae Evidence Modeling of protein sequence and biophysical properties (such as structural, functional, and spatial information, amino acid conservation, physicochemical variation, residue mobility, and thermodynamic stability) indicates that this missense variant is not expected to disrupt HGSNAT protein function with a negative predictive value of 95%. In summary, the available evidence is currently insufficient to determine the role of this variant in disease. Therefore, it has been classified as a Variant of Uncertain Significance.

Illumina Laboratory Services, Illumina
Classification: Uncertain significance for Mucopolysaccharidosis, MPS-III-C. Last evaluated: 2018-01-13. Review status: criteria provided, single submitter. Criteria: ICSL Variant Classification Criteria 13 December 2019. Collection method: clinical testing. Allele origin: germline.

Clinical Genetics DNA and cytogenetics Diagnostics Lab, Erasmus MC, Erasmus Medical Center
Classification: Likely benign. Review status: no assertion criteria provided. Collection method: clinical testing. Allele origin: germline. Affected: yes. Study: VKGL Data-share Consensus. Not counted in ClinVar's aggregate classification.

Laboratory of Diagnostic Genome Analysis, Leiden University Medical Center (LUMC)
Classification: Likely benign. Review status: no assertion criteria provided. Collection method: clinical testing. Allele origin: germline. Affected: yes. Study: VKGL Data-share Consensus. Not counted in ClinVar's aggregate classification.